The following is an entry in ClinVar:

ClinVar aggregate classification (germline): Benign (1 of 4 stars; one submission).

Allele frequency attached by ClinVar (database versions not stated): gnomAD 0.47754 and 0.48325; TOPMed 0.49023; 1000 Genomes Project 0.54393; 1000 Genomes Project 30x 0.54950.
gnomAD v4.1: 72,529 of 152,162 alleles (48%); highest among the groups gnomAD compares: African/African-American, 73%; 19,437 homozygotes.

Submission:

GeneDx
Classification: Benign. Last evaluated: 2018-06-19. Review status: criteria provided, single submitter. Criteria: GeneDx Variant Classification (06012015). Collection method: clinical testing. Allele origin: germline. Affected: yes.
Comment: This variant is considered likely benign or benign based on one or more of the following criteria: it is a conservative change, it occurs at a poorly conserved position in the protein, it is predicted to be benign by multiple in silico algorithms, and/or has population frequency not consistent with disease.

NM_001244008.2(KIF1A):c.1341+305T>C

Gene: KIF1A (kinesin family member 1A; minus strand). Cytogenetic location: 2q37.3.
Variant type: single nucleotide variant.
Coding change: c.1341+305T>C on transcript NM_001244008.2 (MANE Select); 305 bases into the intron after coding-DNA position 1341, T replaced by C.
Molecular consequence: intron variant.
Genome position (GRCh38, 1-based): chr2:240,770,666, A>G on the plus strand (T>C on the coding strand, the complement: KIF1A is on the minus strand). VCF-style: chr2-240770666-A-G. GRCh37 (hg19) VCF-style: chr2-241710083-A-G.
Other names: c.1314+305T>C (NM_001379653.1, NM_001379650.1, NM_001379645.1 and 10 more transcripts); c.1416+305T>C (NM_001379635.1, NM_001330290.2, NM_001379646.1 and 2 more transcripts); c.1389+305T>C (NM_001379637.1, NM_001379648.1); c.1341+305T>C (NM_001320705.2, NM_001379638.1, NM_001330289.2).
Identifiers: ClinVar variation 683895 (VCV000683895.1), dbSNP rs2288752, ClinGen allele CA11176590.
Genomic context (GRCh38, chr2:240,770,666, plus strand): 5'-AAGAGTCTCAGTCCTGGACATTCATTCTTGGAGCTTCCCTTGTCCAGGCTTGGCATGGGT[A>G]GGGGCACAGGCCATCCAGACACCCAGGTCTAGGGTCCTGCAGGCGCATTTCCTGCCCAGC-3'